The following is an entry in ClinVar:

ClinVar aggregate classification (germline): Likely benign. Review status: criteria provided, multiple submitters, no conflicts (2 of 4 stars). 2 submissions from 2 submitters: Likely benign (2). Last evaluated 2025-09-15.

Conditions:
Renal cell carcinoma. Identifiers: Orphanet 217071, MedGen C0007134, MeSH D002292, MONDO:0005086, HP:0005584.
Papillary renal cell carcinoma type 1 (RCCP1). Also called: Renal adenocarcinoma; Renal cell carcinoma 1; Renal cell carcinoma, somatic; RENAL CELL CARCINOMA, PAPILLARY, 1, SOMATIC. Identifiers: Orphanet 47044, MedGen C1336839, OMIM 605074, HP:0011797.

Allele frequency attached by ClinVar (database versions not stated): gnomAD exomes below 0.00001; gnomAD 0.00001.
gnomAD v4.1: 5 of 1,613,468 alleles (0.00031%); highest among the groups gnomAD compares: Admixed American, 0.0083%; no homozygotes.

Submissions (2):

Labcorp Genetics (formerly Invitae), Labcorp
Classification: Likely benign for Renal cell carcinoma. Last evaluated: 2025-09-15. Review status: criteria provided, single submitter. Criteria: Invitae Variant Classification Sherloc (09022015). Collection method: clinical testing. Allele origin: germline.

Myriad Genetics, Inc.
Classification: Likely benign for Papillary renal cell carcinoma type 1. Last evaluated: 2024-11-14. Review status: criteria provided, single submitter. Criteria: Myriad Autosomal Dominant, Autosomal Recessive and X-Linked Classification Criteria (2023). Collection method: clinical testing. Allele origin: unknown.
Comment: This variant is considered likely benign. This variant is intronic and is not expected to impact mRNA splicing.

NM_000245.4(MET):c.3799-8T>C

Gene: MET (MET proto-oncogene, receptor tyrosine kinase; plus strand). Cytogenetic location: 7q31.2.
Variant type: single nucleotide variant.
Coding change: c.3799-8T>C on transcript NM_000245.4 (MANE Select); 8 bases into the intron before coding-DNA position 3799, T replaced by C.
Molecular consequence: intron variant.
Genome position (GRCh38, 1-based): chr7:116,795,647, T>C. VCF-style: chr7-116795647-T-C. GRCh37 (hg19) VCF-style: chr7-116435701-T-C.
Other names: c.3853-8T>C (NM_001127500.3); c.2509-8T>C (NM_001324402.2).
Identifiers: ClinVar variation 1965873 (VCV001965873.6), dbSNP rs1795645051, ClinGen allele CA1106261563.